The following is an entry in ClinVar:

ClinVar aggregate classification (germline): Benign/Likely benign. Review status: criteria provided, multiple submitters, no conflicts (2 of 4 stars). 3 submissions from 3 submitters: Benign (1); Likely benign (1). 1 of the submissions does not count toward it. Last evaluated 2026-07-01.

Conditions:
VPS51-related disorder. Also called: VPS51-related condition.

Allele frequency attached by ClinVar (database versions not stated): 1000 Genomes Project 0.00459; 1000 Genomes Project 30x 0.00484; ExAC 0.00860; gnomAD exomes 0.00925; gnomAD 0.01005; ESP Exome Variant Server 0.01009.
gnomAD v4.1: 19,957 of 1,612,736 alleles (1.2%); highest among the groups gnomAD compares: Non-Finnish European, 1.4%; 153 homozygotes.

Submissions (3):

CeGaT Center for Human Genetics Tuebingen
Classification: Benign. Last evaluated: 2026-07-01. Review status: criteria provided, single submitter. Criteria: CeGaT Center For Human Genetics Tuebingen Variant Classification Criteria Version 2. Collection method: clinical testing. Allele origin: germline. Affected: yes. Observed: 16 variant alleles.
Comment: VPS51: BP4, BS1, BS2

Breakthrough Genomics
Classification: Likely benign. Review status: criteria provided, single submitter. Criteria: ACMG Guidelines, 2015. Collection method: not provided. Allele origin: germline. Inheritance: Autosomal recessive inheritance. Affected: yes.

PreventionGenetics, part of Exact Sciences
Classification: Benign for VPS51-related condition. Last evaluated: 2020-04-29. Review status: no assertion criteria provided. Collection method: clinical testing. Allele origin: germline. Not counted in ClinVar's aggregate classification.
Comment: This variant is classified as benign based on ACMG/AMP sequence variant interpretation guidelines (Richards et al. 2015 PMID: 25741868, with internal and published modifications).

NM_013265.4(VPS51):c.1443+4C>T

Gene: VPS51 (VPS51 subunit of GARP complex; plus strand). Cytogenetic location: 11q13.1.
Variant type: single nucleotide variant.
Coding change: c.1443+4C>T on transcript NM_013265.4 (MANE Select); 4 bases into the intron after coding-DNA position 1443, C replaced by T.
Molecular consequence: intron variant.
Genome position (GRCh38, 1-based): chr11:65,108,918, C>T. VCF-style: chr11-65108918-C-T. GRCh37 (hg19) VCF-style: chr11-64876390-C-T.
Other names: c.1443+4C>T (NM_013265.3).
Identifiers: ClinVar variation 1675459 (VCV001675459.34), dbSNP rs72932836, ClinGen allele CA6090554.